The following is an entry in ClinVar:

ClinVar aggregate classification (germline): Likely benign. Review status: criteria provided, multiple submitters, no conflicts (2 of 4 stars). 3 submissions from 3 submitters: Likely benign (2). 1 of the submissions does not count toward it. Last evaluated 2026-05-01.

Conditions:
TET3-related disorder. Also called: TET3-Related Disease; TET3-related condition.

Allele frequency attached by ClinVar (database versions not stated): gnomAD 0.00111; ExAC 0.00134; gnomAD exomes 0.00201; ESP Exome Variant Server 0.00276.
gnomAD v4.1: 3,059 of 1,613,826 alleles (0.19%); highest among the groups gnomAD compares: Non-Finnish European, 0.25%; 4 homozygotes.

Submissions (3):

CeGaT Center for Human Genetics Tuebingen
Classification: Likely benign. Last evaluated: 2026-05-01. Review status: criteria provided, single submitter. Criteria: CeGaT Center For Human Genetics Tuebingen Variant Classification Criteria Version 2. Collection method: clinical testing. Allele origin: germline. Affected: yes. Observed: 5 variant alleles.
Comment: TET3: BP4, BP7

Blueprint Genetics
Classification: Likely benign. Last evaluated: 2024-11-21. Review status: criteria provided, single submitter. Criteria: ACMG Guidelines, 2015. Collection method: clinical testing. Allele origin: germline.

PreventionGenetics, part of Exact Sciences
Classification: Likely benign for TET3-related condition. Last evaluated: 2019-11-11. Review status: no assertion criteria provided. Collection method: clinical testing. Allele origin: germline. Not counted in ClinVar's aggregate classification.
Comment: This variant is classified as likely benign based on ACMG/AMP sequence variant interpretation guidelines (Richards et al. 2015 PMID: 25741868, with internal and published modifications).

NM_001287491.2(TET3):c.4608G>A (p.Ala1536=)

Gene: TET3 (tet methylcytosine dioxygenase 3; plus strand). Cytogenetic location: 2p13.1.
Variant type: single nucleotide variant.
Coding change: c.4608G>A on transcript NM_001287491.2 (MANE Select); coding-DNA position 4608, G replaced by A.
Protein change: p.Ala1536=; no amino-acid change (alanine 1536 retained).
Molecular consequence: synonymous variant.
Genome position (GRCh38, 1-based): chr2:74,101,396, G>A. VCF-style: chr2-74101396-G-A. GRCh37 (hg19) VCF-style: chr2-74328523-G-A.
Other names: c.4329G>A, p.Ala1443= (NM_001366022.1); c.4203G>A, p.Ala1401= (NM_144993.1); c.4608G>A (NM_001287491.1).
Identifiers: ClinVar variation 2651054 (VCV002651054.26), dbSNP rs200739674, ClinGen allele CA1719264.